The following is an entry in ClinVar:

NM_024996.7(GFM1):c.1626A>G (p.Gln542=)

Gene: GFM1 (G elongation factor mitochondrial 1; plus strand). Cytogenetic location: 3q25.32.
Variant type: single nucleotide variant.
Coding change: c.1626A>G on transcript NM_024996.7 (MANE Select); coding-DNA position 1626, A replaced by G.
Protein change: p.Gln542=; no amino-acid change (glutamine 542 retained).
Molecular consequence: synonymous variant. On other transcripts: non-coding transcript variant (4).
Genome position (GRCh38, 1-based): chr3:158,682,019, A>G. VCF-style: chr3-158682019-A-G. GRCh37 (hg19) VCF-style: chr3-158399808-A-G.
Other names: c.1683A>G, p.Gln561= (NM_001308164.2); c.1626A>G, p.Gln542= (NM_001308166.2); c.1545A>G, p.Gln515= (NM_001374355.1); c.1509A>G, p.Gln503= (NM_001374356.1); c.1401A>G, p.Gln467= (NM_001374357.1); c.1167A>G, p.Gln389= (NM_001374358.1); c.1059A>G, p.Gln353= (NM_001374359.1, NM_001374360.1); c.942A>G, p.Gln314= (NM_001374361.1).
Identifiers: ClinVar variation 387750 (VCV000387750.3), dbSNP rs139042191, ClinGen allele CA2682956.

ClinVar aggregate classification (germline): Conflicting classifications of pathogenicity. Review status: criteria provided, conflicting classifications (1 of 4 stars). 2 submissions from 2 submitters: Uncertain significance (1); Likely benign (1). Last evaluated 2022-05-03.

Allele frequency attached by ClinVar (database versions not stated): gnomAD 0.00002 and 0.00003; ExAC 0.00003; TOPMed 0.00003; gnomAD exomes 0.00004; ESP Exome Variant Server 0.00008.
gnomAD v4.1: 59 of 1,613,574 alleles (0.0037%); highest among the groups gnomAD compares: Non-Finnish European, 0.0048%; no homozygotes.

Submissions (2):

Labcorp Genetics (formerly Invitae), Labcorp
Classification: Uncertain significance. Last evaluated: 2022-05-03. Review status: criteria provided, single submitter. Criteria: Invitae Variant Classification Sherloc (09022015). Collection method: clinical testing. Allele origin: germline.
Comment: This sequence change replaces glutamine, which is neutral and polar, with glutamine, which is neutral and polar, at codon 542 of the GFM1 protein (Silent). This variant is present in population databases (rs139042191, gnomAD 0.009%). This variant has not been reported in the literature in individuals affected with GFM1-related conditions. ClinVar contains an entry for this variant (Variation ID: 387750). Algorithms developed to predict the effect of sequence changes on RNA splicing suggest that this variant is not likely to affect RNA splicing. In summary, the available evidence is currently insufficient to determine the role of this variant in disease. Therefore, it has been classified as a Variant of Uncertain Significance.

GeneDx
Classification: Likely benign. Last evaluated: 2016-07-29. Review status: criteria provided, single submitter. Criteria: GeneDx Variant Classification (06012015). Collection method: clinical testing. Allele origin: germline. Affected: yes.
Comment: This variant is considered likely benign or benign based on one or more of the following criteria: it is a conservative change, it occurs at a poorly conserved position in the protein, it is predicted to be benign by multiple in silico algorithms, and/or has population frequency not consistent with disease.